The following is an entry in ClinVar:

ClinVar aggregate classification (germline): Pathogenic (1 of 4 stars; one submission).

Conditions:
Familial cancer of breast. Also called: Hereditary breast cancer; BREAST CANCER, FAMILIAL; hereditary breast carcinoma. Identifiers: Orphanet 227535, MedGen C0346153, MONDO:0016419, OMIM 114480. Disease mechanism: loss of function.

Submission:

Myriad Genetics, Inc.
Classification: Pathogenic for Familial cancer of breast. Last evaluated: 2023-05-19. Review status: criteria provided, single submitter. Criteria: Myriad Autosomal Dominant, Autosomal Recessive and X-Linked Classification Criteria (2023). Collection method: clinical testing. Allele origin: unknown.
Comment: This variant is considered pathogenic. This variant creates a termination codon and is predicted to result in premature protein truncation.

NM_000465.4(BARD1):c.601A>T (p.Arg201Ter)

Gene: BARD1 (BRCA1 associated RING domain 1; minus strand). Cytogenetic location: 2q35.
Variant type: single nucleotide variant.
Coding change: c.601A>T on transcript NM_000465.4 (MANE Select); coding-DNA position 601, A replaced by T.
Protein change: p.Arg201Ter; replaces arginine 201 with a stop codon.
Molecular consequence: nonsense. On other transcripts: non-coding transcript variant (2), intron variant (3).
Genome position (GRCh38, 1-based): chr2:214,781,273, T>A on the plus strand (A>T on the coding strand, the complement: BARD1 is on the minus strand). VCF-style: chr2-214781273-T-A. GRCh37 (hg19) VCF-style: chr2-215645997-T-A.
Other names: c.544A>T, p.Arg182Ter (NM_001282543.2); c.158+28139A>T (NM_001282548.2); c.215+15788A>T (NM_001282545.2); c.364+11024A>T (NM_001282549.2); short protein forms R182*, R201*.
Identifiers: ClinVar variation 2583236 (VCV002583236.2), dbSNP rs786203051, ClinGen allele CA350456756.